The following is an entry in ClinVar:

ClinVar aggregate classification (germline): Likely benign (1 of 4 stars; one submission).

Conditions:
MGAM-related disorder. Also called: MGAM-related condition.

gnomAD v4.1: 2,817 of 1,613,936 alleles (0.17%); highest among the groups gnomAD compares: Non-Finnish European, 0.23%; 1 homozygote.

Submission:

PreventionGenetics, part of Exact Sciences
Classification: Likely benign for MGAM-related condition. Last evaluated: 2024-12-20. Review status: criteria provided, single submitter. Criteria: ACMG Guidelines, 2015. Collection method: clinical testing. Allele origin: germline.
Comment: This variant is classified as likely benign based on ACMG/AMP sequence variant interpretation guidelines (Richards et al. 2015 PMID: 25741868, with internal and published modifications).

NM_001365693.1(MGAM):c.7443C>T (p.Asn2481=)

Gene: MGAM (maltase-glucoamylase; plus strand). Cytogenetic location: 7q34.
Variant type: single nucleotide variant.
Coding change: c.7443C>T on transcript NM_001365693.1 (MANE Select); coding-DNA position 7443, C replaced by T.
Protein change: p.Asn2481=; no amino-acid change (asparagine 2481 retained).
Molecular consequence: synonymous variant.
Genome position (GRCh38, 1-based): chr7:142,094,848, C>T. VCF-style: chr7-142094848-C-T. GRCh37 (hg19) VCF-style: chr7-141794648-C-T.
Other names: c.4755C>T, p.Asn1585= (NM_004668.3).
Identifiers: ClinVar variation 4980733 (VCV004980733.1).